The following is an entry in ClinVar:

NM_001182.5(ALDH7A1):c.467A>G (p.Tyr156Cys)

Gene: ALDH7A1 (aldehyde dehydrogenase 7 family member A1; minus strand). Cytogenetic location: 5q23.2.
Variant type: single nucleotide variant.
Coding change: c.467A>G on transcript NM_001182.5 (MANE Select); coding-DNA position 467, A replaced by G.
Protein change: p.Tyr156Cys; replaces tyrosine 156 with cysteine.
Molecular consequence: missense variant.
Genome position (GRCh38, 1-based): chr5:126,582,901, T>C on the plus strand (A>G on the coding strand, the complement: ALDH7A1 is on the minus strand). VCF-style: chr5-126582901-T-C. GRCh37 (hg19) VCF-style: chr5-125918593-T-C.
Other names: c.383A>G, p.Tyr128Cys (NM_001201377.2); c.467A>G, p.Tyr156Cys (NM_001202404.2); short protein forms Y156C, Y128C.
Identifiers: ClinVar variation 1476047 (VCV001476047.10), dbSNP rs2112802725, ClinGen allele CA360731793.
Genomic context (GRCh38, chr5:126,582,901, plus strand): 5'-CATTGCTTACTTTCAGAAGGCAAGATAGGTCCTCCAATCATCCTTGATAAACCAACAGCA[T>C]AGTCACAGATATCCACATACTCCTGAACTTCACCCACACCTTCCACTAAGATTTTCCCCA-3'
Protein context (NP_001173.2, residues 146-166): EVQEYVDICD[Tyr156Cys]AVGLSRMIGG

ClinVar aggregate classification (germline): Conflicting classifications of pathogenicity. Review status: criteria provided, conflicting classifications (1 of 4 stars). 3 submissions from 3 submitters: Likely pathogenic (1); Uncertain significance (2). Last evaluated 2025-09-04.

Conditions:
Pyridoxine-dependent epilepsy (EPEO4). Also called: Pyridoxine-Dependent Seizures; Pyridoxine-Dependent Epilepsy - ALDH7A1; PYRIDOXINE DEPENDENCY WITH SEIZURES; EPILEPSY, EARLY-ONSET, 4, VITAMIN B6-DEPENDENT. Identifiers: Orphanet 3006, MedGen C1849508, MONDO:0009945, OMIM 266100. Disease mechanism: loss of function.

Allele frequency attached by ClinVar (database versions not stated): gnomAD exomes 0.00001.
gnomAD v4.1: 13 of 1,613,548 alleles (0.00081%); highest among the groups gnomAD compares: Non-Finnish European, 0.00093%; no homozygotes.

Submissions (3):

Women's Health and Genetics/Laboratory Corporation of America, LabCorp
Classification: Uncertain significance. Last evaluated: 2025-09-04. Review status: criteria provided, single submitter. Criteria: LabCorp Variant Classification Summary - May 2015. Collection method: clinical testing. Allele origin: germline.
Comment: Variant summary: ALDH7A1 c.467A>G (p.Tyr156Cys) results in a non-conservative amino acid change in the encoded protein sequence. Algorithms developed to predict the effect of missense changes on protein structure and function all suggest that this variant is likely to be disruptive. The variant was absent in 251416 control chromosomes. The available data on variant occurrences in the general population are insufficient to allow any conclusion about variant significance. c.467A>G has been observed in an individual with clinical suspicion of pyridoxine-dependent epilepsy (Coughlin_2020). These data do not allow any conclusion about variant significance. To our knowledge, no experimental evidence demonstrating an impact on protein function has been reported. ClinVar contains an entry for this variant (Variation ID: 1476047). Based on the evidence outlined above, the variant was classified as uncertain significance.

Labcorp Genetics (formerly Invitae), Labcorp
Classification: Uncertain significance for Pyridoxine-dependent epilepsy. Last evaluated: 2025-02-10. Review status: criteria provided, single submitter. Criteria: Invitae Variant Classification Sherloc (09022015). Collection method: clinical testing. Allele origin: germline.
Comment: This sequence change replaces tyrosine, which is neutral and polar, with cysteine, which is neutral and slightly polar, at codon 156 of the ALDH7A1 protein (p.Tyr156Cys). This variant is not present in population databases (gnomAD no frequency). This missense change has been observed in individual(s) with clinical suspicion of pyridoxine-dependent epilepsy (PMID: 30043187). ClinVar contains an entry for this variant (Variation ID: 1476047). Invitae Evidence Modeling of protein sequence and biophysical properties (such as structural, functional, and spatial information, amino acid conservation, physicochemical variation, residue mobility, and thermodynamic stability) indicates that this missense variant is expected to disrupt ALDH7A1 protein function with a positive predictive value of 95%. In summary, the available evidence is currently insufficient to determine the role of this variant in disease. Therefore, it has been classified as a Variant of Uncertain Significance.

Centre of Medical Genetics, University Hospital Muenster
Classification: Likely pathogenic. Last evaluated: 2022-06-08. Review status: criteria provided, single submitter. Criteria: ACMG Guidelines, 2015. Collection method: clinical testing. Allele origin: unknown. Affected: yes. Observed: 1 variant allele, 1 heterozygote.
Comment: ACMG categories: PS4,PM3

Literature cited by the submitters: PubMed 30043187 (cited by Women's Health and Genetics/Laboratory Corporation of America, LabCorp and Labcorp Genetics (formerly Invitae), Labcorp).